The following is an entry in ClinVar:

ClinVar aggregate classification (germline): Uncertain significance (1 of 4 stars; one submission).

Conditions:
GRIA4-related disorder. Also called: GRIA4-related condition.

Submission:

PreventionGenetics, part of Exact Sciences
Classification: Uncertain significance for GRIA4-related condition. Last evaluated: 2023-03-01. Review status: criteria provided, single submitter. Criteria: ACMG Guidelines, 2015. Collection method: clinical testing. Allele origin: germline.
Comment: The GRIA4 c.1667T>C variant is predicted to result in the amino acid substitution p.Ile556Thr. To our knowledge, this variant has not been reported in the literature or in a large population database, indicating this variant is rare. At this time, the clinical significance of this variant is uncertain due to the absence of conclusive functional and genetic evidence.

NM_000829.4(GRIA4):c.1667T>C (p.Ile556Thr)

Gene: GRIA4 (glutamate ionotropic receptor AMPA type subunit 4; plus strand). Cytogenetic location: 11q22.3.
Variant type: single nucleotide variant.
Coding change: c.1667T>C on transcript NM_000829.4 (MANE Select); coding-DNA position 1667, T replaced by C.
Protein change: p.Ile556Thr; replaces isoleucine 556 with threonine.
Molecular consequence: missense variant. On other transcripts: non-coding transcript variant (1).
Genome position (GRCh38, 1-based): chr11:105,924,589, T>C. VCF-style: chr11-105924589-T-C. GRCh37 (hg19) VCF-style: chr11-105795315-T-C.
Other names: c.1667T>C, p.Ile556Thr (NM_001077243.3); short protein forms I556T.
Identifiers: ClinVar variation 2630432 (VCV002630432.1), dbSNP rs2497919366, ClinGen allele CA382301208.